The following is an entry in ClinVar:

NM_000535.7(PMS2):c.2160G>A (p.Gly720=)

Gene: PMS2 (PMS1 homolog 2, mismatch repair system component; minus strand). Cytogenetic location: 7p22.1.
Variant type: single nucleotide variant.
Coding change: c.2160G>A on transcript NM_000535.7 (MANE Select); coding-DNA position 2160, G replaced by A.
Protein change: p.Gly720=; no amino-acid change (glycine 720 retained).
Molecular consequence: synonymous variant. On other transcripts: non-coding transcript variant (1).
Genome position (GRCh38, 1-based): chr7:5,982,838, C>T on the plus strand (G>A on the coding strand, the complement: PMS2 is on the minus strand). VCF-style: chr7-5982838-C-T. GRCh37 (hg19) VCF-style: chr7-6022469-C-T.
Other names: c.1755G>A, p.Gly585= (NM_001322003.2, NM_001322004.2, NM_001322005.2 and 1 more transcripts); c.2004G>A, p.Gly668= (NM_001322006.2); c.1842G>A, p.Gly614= (NM_001322007.2, NM_001322008.2); c.1599G>A, p.Gly533= (NM_001322010.2); c.1227G>A, p.Gly409= (NM_001322011.2, NM_001322012.2); c.1587G>A, p.Gly529= (NM_001322013.2); c.2160G>A, p.Gly720= (NM_001322014.2); c.1851G>A, p.Gly617= (NM_001322015.2).
Identifiers: ClinVar variation 183894 (VCV000183894.33), dbSNP rs546441038, ClinGen allele CA010955.

ClinVar aggregate classification (germline): Benign/Likely benign. Review status: criteria provided, multiple submitters, no conflicts (2 of 4 stars). 12 submissions from 12 submitters: Benign (4); Likely benign (7). 1 of the submissions does not count toward it. Last evaluated 2026-01-16.

Conditions:
Hereditary nonpolyposis colorectal neoplasms. Identifiers: MedGen C0009405, MeSH D003123.
Hereditary cancer-predisposing syndrome. Also called: Tumor predisposition; Neoplastic Syndromes, Hereditary; Hereditary neoplastic syndrome; Hereditary Cancer Syndrome. Identifiers: Orphanet 140162, MedGen C0027672, MeSH D009386, MONDO:0015356.
Breast and/or ovarian cancer. Identifiers: MedGen CN221562.
Lynch syndrome 4 (LYNCH4). Also called: Hereditary non-polyposis colorectal cancer, type 4; Colorectal cancer, hereditary nonpolyposis, type 4. Identifiers: Orphanet 144, MedGen C1838333, MONDO:0013699, OMIM 614337. Disease mechanism: loss of function.
Malignant tumor of breast. Also called: Malignant breast neoplasm; Cancer breast. Identifiers: MedGen C0006142, MONDO:0007254. Disease mechanism: loss of function.

Allele frequency attached by ClinVar (database versions not stated): 1000 Genomes Project 30x 0.00094; 1000 Genomes Project 0.00100; gnomAD below 0.00001 and 0.00011; TOPMed 0.00002; gnomAD exomes 0.00025 and 0.00050; ExAC 0.00061.
gnomAD v4.1: 381 of 1,608,642 alleles (0.024%); highest among the groups gnomAD compares: South Asian, 0.4%; 3 homozygotes.

Submissions (12):

Labcorp Genetics (formerly Invitae), Labcorp
Classification: Likely benign for Hereditary nonpolyposis colorectal neoplasms. Last evaluated: 2026-01-16. Review status: criteria provided, single submitter. Criteria: Invitae Variant Classification Sherloc (09022015). Collection method: clinical testing. Allele origin: germline.

Quest Diagnostics Nichols Institute San Juan Capistrano
Classification: Benign. Last evaluated: 2025-10-15. Review status: criteria provided, single submitter. Criteria: Quest Diagnostics criteria. Collection method: clinical testing. Allele origin: unknown.

Center for Genomic Medicine, Rigshospitalet, Copenhagen University Hospital
Classification: Likely benign. Last evaluated: 2025-03-04. Review status: criteria provided, single submitter. Criteria: ACMG Guidelines, 2015. Collection method: clinical testing. Allele origin: germline.

Myriad Genetics, Inc.
Classification: Benign for Lynch syndrome 4. Last evaluated: 2025-02-03. Review status: criteria provided, single submitter. Criteria: Myriad Autosomal Dominant, Autosomal Recessive and X-Linked Classification Criteria (2023). Collection method: clinical testing. Allele origin: unknown.
Comment: This variant is considered benign. This variant is a silent/synonymous amino acid change and it is not expected to impact splicing.

Blueprint Genetics
Classification: Likely benign. Last evaluated: 2024-06-28. Review status: criteria provided, single submitter. Criteria: ACMG Guidelines, 2015. Collection method: clinical testing. Allele origin: germline.

CHEO Genetics Diagnostic Laboratory, Children's Hospital of Eastern Ontario
Classification: Likely benign for Breast and/or ovarian cancer. Last evaluated: 2023-06-22. Review status: criteria provided, single submitter. Criteria: ACMG Guidelines, 2015. Collection method: clinical testing. Allele origin: germline.

Women's Health and Genetics/Laboratory Corporation of America, LabCorp
Classification: Benign. Last evaluated: 2022-05-08. Review status: criteria provided, single submitter. Criteria: LabCorp Variant Classification Summary - May 2015. Collection method: clinical testing. Allele origin: germline.

Color Diagnostics, LLC DBA Color Health
Classification: Likely benign for Hereditary cancer-predisposing syndrome. Last evaluated: 2021-11-23. Review status: criteria provided, single submitter. Criteria: ACMG Guidelines, 2015. Collection method: clinical testing. Allele origin: germline.

Sema4
Classification: Likely benign for Hereditary cancer-predisposing syndrome. Last evaluated: 2021-10-25. Review status: criteria provided, single submitter. Criteria: Sema4 Curation Guidelines. Collection method: curation. Allele origin: germline.

GeneDx
Classification: Benign. Last evaluated: 2015-05-04. Review status: criteria provided, single submitter. Criteria: GeneDx Variant Classification (06012015). Collection method: clinical testing. Allele origin: germline. Affected: yes.
Comment: This variant is considered likely benign or benign based on one or more of the following criteria: it is a conservative change, it occurs at a poorly conserved position in the protein, it is predicted to be benign by multiple in silico algorithms, and/or has population frequency not consistent with disease.

Ambry Genetics
Classification: Likely benign for Hereditary cancer-predisposing syndrome. Last evaluated: 2014-10-09. Review status: criteria provided, single submitter. Criteria: Ambry Variant Classification Scheme 2023. Collection method: clinical testing. Allele origin: germline.

Department of Pathology and Laboratory Medicine, Sinai Health System
Classification: Likely benign for Malignant tumor of breast. Review status: no assertion criteria provided. Collection method: clinical testing. Allele origin: unknown. Affected: yes. Study: The Canadian Open Genetics Repository (COGR). Not counted in ClinVar's aggregate classification.
Comment: The PMS2 p.Gly720= variant was not identified in the literature nor was it identified in the COGR, Cosmic, MutDB, Insight Colon Cancer Gene Variant, Zhejiang Colon Cancer, Mismatch Repair Genes Variant, and Insight Hereditary Tumors databases. The variant was identified in the 1000 Genomes Project in 5 of 5000 chromosomes (frequency: 0.001). The variant was also identified in dbSNP (ID: rs546441038) as with Likely benign allele, in the ClinVar database as benign by GeneDx and likely benign by Ambry Genetics, Invitae and Quest Diagnostics Nichols Institute San Juan Capistrano). The variant was identified in control databases in 117 of 231146 chromosomes (2 homozygous) at a frequency of 0.00051 increasing the likelihood this could be a low frequency benign variant (Genome Aggregation Database Feb 27, 2017). It was observed in the following populations: "Other" in 1 of 5220 chromosomes (freq: 0.000192), Latino in 1 of 31858 chromosomes (freq: 0.00003), and South Asian in 115 of 29642 chromosomes (freq: 0.004); but not in the African, European Non-Finnish, Ashkenazi Jewish, East Asian, European Finnish, populations. The p.Gly720= variant is not expected to have clinical significance because it does not result in a change of amino acid and is not located in a known consensus splice site. In addition, in silico or computational prediction software programs (SpliceSiteFinder, MaxEntScan, NNSPLICE, GeneSplicer, HumanSpliceFinder) do not predict a difference in splicing. The variant occurs outside of the splicing consensus sequence and in silico or computational prediction software programs (SpliceSiteFinder, MaxEntScan, NNSPLICE, GeneSplicer, HumanSpliceFinder) do not predict a difference in splicing. In summary, based on the above information the clinical significance of this variant cannot be determined with certainty at this time although we would lean towards a more benign role for this variant. This variant is classified as likely benign.

Literature cited by the submitters: PubMed 34172528 (cited by Quest Diagnostics Nichols Institute San Juan Capistrano).